The following is an entry in ClinVar:

NM_001127453.2(GSDME):c.1257+4A>G

Gene: GSDME (gasdermin E; minus strand). Cytogenetic location: 7p15.3.
Variant type: single nucleotide variant.
Coding change: c.1257+4A>G on transcript NM_001127453.2 (MANE Select); 4 bases into the intron after coding-DNA position 1257, A replaced by G.
Molecular consequence: intron variant.
Genome position (GRCh38, 1-based): chr7:24,702,756, T>C on the plus strand (A>G on the coding strand, the complement: GSDME is on the minus strand). VCF-style: chr7-24702756-T-C. GRCh37 (hg19) VCF-style: chr7-24742375-T-C.
Other names: c.765+4A>G (NM_001127454.2, NM_001438059.1); c.1257+4A>G (NM_004403.3).
Identifiers: ClinVar variation 4976410 (VCV004976410.1).
Genomic context (GRCh38, chr7:24,702,756, plus strand): 5'-GTCTACCCCCTCATCATTTCCCCATTCCTATCCATTCTAAGGTCCCACCTGGGAGGTTGC[T>C]TACCAAGTGGCACAGTGTGGGAATGATCTGGAGTTTGCAGCAAGTGCCCAGCAGAGCTGC-3'

ClinVar aggregate classification (germline): Uncertain significance (1 of 4 stars; one submission).

gnomAD v4.1: 6 of 1,612,722 alleles (0.00037%); highest among the groups gnomAD compares: Admixed American, 0.0017%; no homozygotes.

Submission:

GeneDx
Classification: Uncertain significance. Last evaluated: 2026-02-12. Review status: criteria provided, single submitter. Criteria: GeneDx Variant Classification Process June 2021. Collection method: clinical testing. Allele origin: germline.
Comment: In silico analysis supports a deleterious effect on splicing; Has not been previously published as pathogenic or benign to our knowledge